The following is an entry in ClinVar:

NM_152703.5(SAMD9L):c.1495A>G (p.Asn499Asp)

Gene: SAMD9L (sterile alpha motif domain containing 9 like; minus strand). Cytogenetic location: 7q21.2.
Variant type: single nucleotide variant.
Coding change: c.1495A>G on transcript NM_152703.5 (MANE Select); coding-DNA position 1495, A replaced by G.
Protein change: p.Asn499Asp; replaces asparagine 499 with aspartic acid.
Molecular consequence: missense variant.
Genome position (GRCh38, 1-based): chr7:93,134,477, T>C on the plus strand (A>G on the coding strand, the complement: SAMD9L is on the minus strand). VCF-style: chr7-93134477-T-C. GRCh37 (hg19) VCF-style: chr7-92763790-T-C.
Other names: c.1495A>G, p.Asn499Asp (NM_001303496.3, NM_001303497.3, NM_001303498.3 and 5 more transcripts); short protein forms N499D.
Identifiers: ClinVar variation 3603257 (VCV003603257.1).

ClinVar aggregate classification (germline): Uncertain significance (1 of 4 stars; one submission).

Submission:

GeneDx
Classification: Uncertain significance. Last evaluated: 2024-08-07. Review status: criteria provided, single submitter. Criteria: GeneDx Variant Classification Process June 2021. Collection method: clinical testing. Allele origin: germline. Affected: yes.
Comment: Not observed at significant frequency in large population cohorts (gnomAD); In silico analysis supports that this missense variant has a deleterious effect on protein structure/function; Has not been previously published as pathogenic or benign to our knowledge; This variant is associated with the following publications: (PMID: 28545555)